The following is an entry in ClinVar:

ClinVar aggregate classification (germline): Uncertain significance (1 of 4 stars; one submission).

Submission:

Labcorp Genetics (formerly Invitae), Labcorp
Classification: Uncertain significance. Last evaluated: 2022-08-10. Review status: criteria provided, single submitter. Criteria: Invitae Variant Classification Sherloc (09022015). Collection method: clinical testing. Allele origin: germline.
Comment: This sequence change replaces glycine, which is neutral and non-polar, with valine, which is neutral and non-polar, at codon 617 of the CDH23 protein (p.Gly617Val). In summary, the available evidence is currently insufficient to determine the role of this variant in disease. Therefore, it has been classified as a Variant of Uncertain Significance. Algorithms developed to predict the effect of sequence changes on RNA splicing suggest that this variant may create or strengthen a splice site. Algorithms developed to predict the effect of missense changes on protein structure and function are either unavailable or do not agree on the potential impact of this missense change (SIFT: "Deleterious"; PolyPhen-2: "Not Available"; Align-GVGD: "Class C65"). ClinVar contains an entry for this variant (Variation ID: 1422790). This variant has not been reported in the literature in individuals affected with CDH23-related conditions. This variant is not present in population databases (gnomAD no frequency).

NM_022124.6(CDH23):c.1850G>T (p.Gly617Val)

Gene: CDH23 (cadherin related 23; plus strand). Cytogenetic location: 10q22.1.
Variant type: single nucleotide variant.
Coding change: c.1850G>T on transcript NM_022124.6 (MANE Select); coding-DNA position 1850, G replaced by T.
Protein change: p.Gly617Val; replaces glycine 617 with valine.
Molecular consequence: missense variant.
Genome position (GRCh38, 1-based): chr10:71,679,484, G>T. VCF-style: chr10-71679484-G-T. GRCh37 (hg19) VCF-style: chr10-73439241-G-T.
Other names: c.1850G>T, p.Gly617Val (NM_001171930.2, NM_001171931.2); short protein forms G617V.
Identifiers: ClinVar variation 1422790 (VCV001422790.6), dbSNP rs569498571, ClinGen allele CA377131200.